The following is an entry in ClinVar:

NM_000035.4(ALDOB):c.325-18A>C

Gene: ALDOB (aldolase, fructose-bisphosphate B; minus strand). Cytogenetic location: 9q31.1.
Variant type: single nucleotide variant.
Coding change: c.325-18A>C on transcript NM_000035.4 (MANE Select); 18 bases into the intron before coding-DNA position 325, A replaced by C.
Molecular consequence: intron variant.
Genome position (GRCh38, 1-based): chr9:101,428,541, T>G on the plus strand (A>C on the coding strand, the complement: ALDOB is on the minus strand). VCF-style: chr9-101428541-T-G. GRCh37 (hg19) VCF-style: chr9-104190823-T-G.
Other names: p.?.
Identifiers: ClinVar variation 4683413 (VCV004683413.2).
Genomic context (GRCh38, chr9:101,428,541, plus strand): 5'-TTTCTTTGTTTGTTCCTGCAAGAGGAGCACCTCCTTGGTCTAACTGTGGATACAAATAAT[T>G]AACAGGTGTCAGATGTCAGGAAAACACAAGCAGAACTCTTGAACTAACTAACAGTTTGCA-3'

ClinVar aggregate classification (germline): Likely benign. Review status: criteria provided, multiple submitters, no conflicts (2 of 4 stars). 2 submissions from 2 submitters: Likely benign (2). Last evaluated 2025-03-27.

Conditions:
Hereditary fructosuria. Also called: ALDOB DEFICIENCY; ALDOLASE B DEFICIENCY; FRUCTOSE-1,6-BISPHOSPHATE ALDOLASE B DEFICIENCY; FRUCTOSE-1-PHOSPHATE ALDOLASE DEFICIENCY; FRUCTOSEMIA; Hereditary fructose intolerance. Identifiers: Orphanet 469, MedGen C0016751, MONDO:0009249, OMIM 229600, HP:0005973. Disease mechanism: loss of function.

gnomAD v4.1: 3 of 1,606,322 alleles (0.00019%); highest among the groups gnomAD compares: Non-Finnish European, 0.00026%; no homozygotes.

Submissions (2):

Labcorp Genetics (formerly Invitae), Labcorp
Classification: Likely benign for Hereditary fructosuria. Last evaluated: 2025-03-27. Review status: criteria provided, single submitter. Criteria: Invitae Variant Classification Sherloc (09022015). Collection method: clinical testing. Allele origin: germline.

Mayo Clinic Laboratories, Mayo Clinic
Classification: Likely benign. Last evaluated: 2025-02-14. Review status: criteria provided, single submitter. Criteria: ACMG Guidelines, 2015. Collection method: clinical testing. Allele origin: germline. Observed: 1 variant allele.
Comment: PM2_supporting